The following is an entry in ClinVar:

NC_000013.10:g.(?_20716100)_(20717447_?)dup

Gene: GJA3 (gap junction protein alpha 3; minus strand). Cytogenetic location: 13q12.11.
Variant type: Duplication.
Identifiers: ClinVar variation 468541 (VCV000468541.7).

ClinVar aggregate classification (germline): Uncertain significance (1 of 4 stars; one submission).

Conditions:
Cataract 14 multiple types. Also called: CATARACT 14, ZONULAR PULVERULENT; CATARACT 14, NUCLEAR PULVERULENT; CATARACT 14, NUCLEAR PULVERULENT AND POSTERIOR POLAR; CATARACT 14, NUCLEAR CORALLIFORM; CATARACT 14, EMBRYONAL NUCLEAR; CATARACT 14, COPPOCK-LIKE. Identifiers: Orphanet 91492, MedGen C1866078, MONDO:0011162, OMIM 601885.

Submission:

Labcorp Genetics (formerly Invitae), Labcorp
Classification: Uncertain significance for Cataract 14 multiple types. Last evaluated: 2017-02-28. Review status: criteria provided, single submitter. Criteria: Invitae Variant Classification Sherloc (09022015). Collection method: clinical testing. Allele origin: germline.
Comment: A gross duplication of the genomic region encompassing the full coding sequence of the GJA3 gene has been identified. The boundaries of this event are unknown as the duplication extends beyond the assayed region for this gene and therefore may encompass additional genes. As the precise location of this duplication is unknown, it may be in tandem or it may be located elsewhere in the genome. This variant has not been reported in the literature in individuals with a GJA3-related disease. Experimental studies and prediction algorithms are not available for this variant, and the functional significance of a GJA3 whole gene duplication is currently unknown. In summary, the exact genomic location of this variant is unknown and the impact of this duplication on GJA3 protein function has not been established. Therefore, it has been classified as a Variant of Uncertain Significance.